The following is an entry in ClinVar:

NM_001384140.1(PCDH15):c.4891C>T (p.Leu1631=)

Gene: PCDH15 (protocadherin related 15; minus strand). Cytogenetic location: 10q21.1.
Variant type: single nucleotide variant.
Coding change: c.4891C>T on transcript NM_001384140.1 (MANE Select); coding-DNA position 4891, C replaced by T.
Protein change: p.Leu1631=; no amino-acid change (leucine 1631 retained).
Molecular consequence: synonymous variant.
Genome position (GRCh38, 1-based): chr10:53,806,911, G>A on the plus strand (C>T on the coding strand, the complement: PCDH15 is on the minus strand). VCF-style: chr10-53806911-G-A. GRCh37 (hg19) VCF-style: chr10-55566671-G-A.
Other names: c.4717C>T, p.Leu1573= (NM_001142771.2); c.4702C>T, p.Leu1568= (NM_001142772.2); c.4696C>T, p.Leu1566= (NM_001354420.2); c.4825C>T, p.Leu1609= (NM_001354429.2); c.4825C>T (NM_001354429.1).
Identifiers: ClinVar variation 227837 (VCV000227837.38), dbSNP rs200155519, ClinGen allele CA5504575.

ClinVar aggregate classification (germline): Conflicting classifications of pathogenicity. Review status: criteria provided, conflicting classifications (1 of 4 stars). 7 submissions from 7 submitters: Uncertain significance (1); Benign (1); Likely benign (2). 3 of the submissions do not count toward it. Last evaluated 2024-11-22.

Conditions:
PCDH15-related disorder. Also called: PCDH15-related disorders; PCDH15-related condition.

Allele frequency attached by ClinVar (database versions not stated): gnomAD exomes 0.00049 and 0.00082; 1000 Genomes Project 0.00060; ExAC 0.00070; 1000 Genomes Project 30x 0.00094; gnomAD 0.00127 and 0.00138; ESP Exome Variant Server 0.00146; TOPMed 0.00146.
gnomAD v4.1: 942 of 1,613,888 alleles (0.058%); highest among the groups gnomAD compares: Middle Eastern, 0.3%; 1 homozygote.

Submissions (7):

Blueprint Genetics
Classification: Likely benign. Last evaluated: 2024-11-22. Review status: criteria provided, single submitter. Criteria: ACMG Guidelines, 2015. Collection method: clinical testing. Allele origin: germline.

CeGaT Center for Human Genetics Tuebingen
Classification: Likely benign. Last evaluated: 2022-11-01. Review status: criteria provided, single submitter. Criteria: CeGaT Center For Human Genetics Tuebingen Variant Classification Criteria Version 2. Collection method: clinical testing. Allele origin: germline. Affected: yes. Observed: 1 variant allele.
Comment: PCDH15: BP4, BP7

Eurofins Ntd Llc (ga)
Classification: Uncertain significance. Last evaluated: 2018-09-11. Review status: criteria provided, single submitter. Criteria: EGL ClinVar v180209 classification definitions. Collection method: clinical testing. Allele origin: germline. Observed: 1 variant allele, 1 heterozygote.

Laboratory for Molecular Medicine, Mass General Brigham Personalized Medicine
Classification: Benign. Last evaluated: 2016-07-07. Review status: criteria provided, single submitter. Criteria: LMM Criteria. Collection method: clinical testing. Allele origin: germline. Observed: 2 variant alleles.
Comment: p.Leu1573Leu in exon 36C of PCDH15: This variant is not expected to have clinica l significance because it does not alter an amino acid residue, is not located w ithin the splice consensus sequence, and has been identified in 0.3 (30/9738) of African chromosomes by the Exome Aggregation Consortium (ExAC; dbSNP rs200155519).

PreventionGenetics, part of Exact Sciences
Classification: Likely benign for PCDH15-related condition. Last evaluated: 2019-11-01. Review status: no assertion criteria provided. Collection method: clinical testing. Allele origin: germline. Not counted in ClinVar's aggregate classification.
Comment: This variant is classified as likely benign based on ACMG/AMP sequence variant interpretation guidelines (Richards et al. 2015 PMID: 25741868, with internal and published modifications).

Clinical Genetics DNA and cytogenetics Diagnostics Lab, Erasmus MC, Erasmus Medical Center
Classification: Likely benign. Review status: no assertion criteria provided. Collection method: clinical testing. Allele origin: germline. Affected: yes. Study: VKGL Data-share Consensus. Not counted in ClinVar's aggregate classification.

Clinical Genetics, Academic Medical Center
Classification: Benign. Review status: no assertion criteria provided. Collection method: clinical testing. Allele origin: germline. Affected: yes. Study: VKGL Data-share Consensus. Not counted in ClinVar's aggregate classification.